The following is an entry in ClinVar:

ClinVar aggregate classification (germline): Uncertain significance (1 of 4 stars; one submission).

Conditions:
Hereditary cancer-predisposing syndrome. Also called: Neoplastic Syndromes, Hereditary; Tumor predisposition; Hereditary neoplastic syndrome; Hereditary Cancer Syndrome. Identifiers: Orphanet 140162, MedGen C0027672, MeSH D009386, MONDO:0015356.

Submission:

Ambry Genetics
Classification: Uncertain significance for Hereditary cancer-predisposing syndrome. Last evaluated: 2023-01-20. Review status: criteria provided, single submitter. Criteria: Ambry Variant Classification Scheme 2023. Collection method: clinical testing. Allele origin: germline.
Comment: The c.4100_4105delGCCGCA variant (also known as p.S1367_R1368del) is located in coding exon 21 of the DICER1 gene. This variant results from an in-frame GCCGCA deletion at nucleotide positions 4100 to 4105. This results in the in-frame deletion of a serine and arginine at codons 1367 and 1368. This amino acid region is highly conserved in available vertebrate species. In addition, this alteration is predicted to be deleterious by in silico analysis (Choi Y et al. PLoS ONE. 2012; 7(10):e46688). Since supporting evidence is limited at this time, the clinical significance of this alteration remains unclear.

NM_177438.3(DICER1):c.4100_4105del (p.Ser1367_Arg1368del)

Gene: DICER1 (dicer 1, ribonuclease III; minus strand). Cytogenetic location: 14q32.13.
Variant type: Deletion.
Coding change: c.4100_4105del on transcript NM_177438.3 (MANE Select); coding-DNA positions 4100 to 4105, 6 bases deleted (GCCGCA; older notation c.4100_4105delGCCGCA).
Protein change: p.Ser1367_Arg1368del.
Molecular consequence: inframe deletion. On other transcripts: inframe indel (2), non-coding transcript variant (6).
Genome position (GRCh38, 1-based): chr14:95,099,881-95,099,886, TGCGGC deleted on the plus strand (GCCGCA on the coding strand, the reverse complement: DICER1 is on the minus strand); deleting any 6 consecutive bases within chr14:95,099,881-95,099,888 gives the same sequence; the c. name uses the placement nearest the transcript's 3' end. VCF-style (leftmost placement, unchanged base first): chr14-95099880-ATGCGGC-A. GRCh37 (hg19) VCF-style: chr14-95566217-ATGCGGC-A.
Other names: c.4100_4105del, p.Ser1367_Arg1368del (NM_001195573.1, NM_001271282.3, NM_001291628.2 and 12 more transcripts); c.4098_4103delCAGCCG, p.Ser1367_Arg1368del (NM_001395681.1); c.3818_3823del, p.Ser1273_Arg1274del (NM_001395686.1); c.3695_3700del, p.Ser1232_Arg1233del (NM_001395687.1, NM_001395688.1, NM_001395689.1 and 2 more transcripts); c.3533_3538del, p.Ser1178_Arg1179del (NM_001395691.1); c.2417_2422del, p.Ser806_Arg807del (NM_001395697.1); c.4100_4105delGCCGCA (NM_177438.2).
Identifiers: ClinVar variation 2451705 (VCV002451705.2), dbSNP rs2542601324, ClinGen allele CA2580089216.
Genomic context (GRCh38, chr14:95,099,880, plus strand): 5'-TGATTTACTACATAACCAGGAGGAAGCCAATTCACAGGGGGATCAAATATTGACACCACC[ATGCGGC>A]TGGGTAGTCCCTTCTTTTTTCCAAGGCGATACAGATTACAGTTGCTGACCTTTAGCAGAA-3'